The following is an entry in ClinVar:

ClinVar aggregate classification (germline): Uncertain significance (1 of 4 stars; one submission).

Conditions:
Developmental and epileptic encephalopathy, 23 (DEE23). Also called: Epileptic encephalopathy, early infantile, 23. Identifiers: Orphanet 411986, MedGen C4014492, MONDO:0014371, OMIM 615859.

Submission:

Labcorp Genetics (formerly Invitae), Labcorp
Classification: Uncertain significance for Developmental and epileptic encephalopathy, 23. Last evaluated: 2021-05-18. Review status: criteria provided, single submitter. Criteria: Invitae Variant Classification Sherloc (09022015). Collection method: clinical testing. Allele origin: germline.
Comment: This sequence change replaces proline with leucine at codon 1137 of the DOCK7 protein (p.Pro1137Leu). The proline residue is highly conserved and there is a moderate physicochemical difference between proline and leucine. In summary, the available evidence is currently insufficient to determine the role of this variant in disease. Therefore, it has been classified as a Variant of Uncertain Significance. Algorithms developed to predict the effect of missense changes on protein structure and function are either unavailable or do not agree on the potential impact of this missense change (SIFT: "Tolerated"; PolyPhen-2: "Probably Damaging"; Align-GVGD: "Class C0"). This variant has not been reported in the literature in individuals with DOCK7-related conditions. This variant is not present in population databases (ExAC no frequency).

NM_001367561.1(DOCK7):c.3410C>T (p.Pro1137Leu)

Gene: DOCK7 (dedicator of cytokinesis 7; minus strand). Cytogenetic location: 1p31.3.
Variant type: single nucleotide variant.
Coding change: c.3410C>T on transcript NM_001367561.1 (MANE Select); coding-DNA position 3410, C replaced by T.
Protein change: p.Pro1137Leu; replaces proline 1137 with leucine.
Molecular consequence: missense variant.
Genome position (GRCh38, 1-based): chr1:62,537,952, G>A on the plus strand (C>T on the coding strand, the complement: DOCK7 is on the minus strand). VCF-style: chr1-62537952-G-A. GRCh37 (hg19) VCF-style: chr1-63003623-G-A.
Other names: c.3410C>T, p.Pro1137Leu (NM_001271999.2, NM_001330614.2); c.3317C>T, p.Pro1106Leu (NM_001272000.2, NM_001272001.2, NM_033407.4); short protein forms P1106L, P1137L.
Identifiers: ClinVar variation 1491980 (VCV001491980.8), dbSNP rs2149390098, ClinGen allele CA340606702.